The following is an entry in ClinVar:

NM_001267550.2(TTN):c.41211T>C (p.Asp13737=)

Gene: TTN (titin; minus strand). Cytogenetic location: 2q31.2.
Variant type: single nucleotide variant.
Coding change: c.41211T>C on transcript NM_001267550.2 (MANE Select); coding-DNA position 41211, T replaced by C.
Protein change: p.Asp13737=; no amino-acid change (aspartic acid 13737 retained).
Molecular consequence: synonymous variant.
Genome position (GRCh38, 1-based): chr2:178,636,516, A>G on the plus strand (T>C on the coding strand, the complement: TTN is on the minus strand). VCF-style: chr2-178636516-A-G. GRCh37 (hg19) VCF-style: chr2-179501243-A-G.
Other names: c.36288T>C, p.Asp12096= (NM_001256850.1); c.14016T>C, p.Asp4672= (NM_003319.4); c.33507T>C, p.Asp11169= (NM_133378.4); c.14391T>C, p.Asp4797= (NM_133432.3); c.14592T>C, p.Asp4864= (NM_133437.4).
Identifiers: ClinVar variation 3350353 (VCV003350353.3).

ClinVar aggregate classification (germline): Likely benign. Review status: criteria provided, multiple submitters, no conflicts (2 of 4 stars). 3 submissions from 3 submitters: Likely benign (2). 1 of the submissions does not count toward it. Last evaluated 2025-07-23.

Conditions:
TTN-related disorder. Also called: TTN-related disorders; TTN-related condition; TTN-related disease.
Dilated cardiomyopathy 1G (CMD1G). Identifiers: Orphanet 154, MedGen C1858763, MONDO:0011400, OMIM 604145.
Autosomal recessive limb-girdle muscular dystrophy type 2J (LGMDR10). Also called: MUSCULAR DYSTROPHY, LIMB-GIRDLE, AUTOSOMAL RECESSIVE 10; Limb-girdle muscular dystrophy, type 2J. Identifiers: Orphanet 140922, MedGen C1837342, MONDO:0012127, OMIM 608807.

gnomAD v4.1: 4 of 1,613,348 alleles (0.00025%); highest among the groups gnomAD compares: East Asian, 0.0022%; no homozygotes.

Submissions (3):

Labcorp Genetics (formerly Invitae), Labcorp
Classification: Likely benign for Dilated cardiomyopathy 1G; Autosomal recessive limb-girdle muscular dystrophy type 2J. Last evaluated: 2025-07-23. Review status: criteria provided, single submitter. Criteria: Invitae Variant Classification Sherloc (09022015). Collection method: clinical testing. Allele origin: germline.

Blueprint Genetics
Classification: Likely benign. Last evaluated: 2020-12-29. Review status: criteria provided, single submitter. Criteria: ACMG Guidelines, 2015. Collection method: clinical testing. Allele origin: germline.

PreventionGenetics, part of Exact Sciences
Classification: Likely benign for TTN-related condition. Last evaluated: 2024-04-18. Review status: no assertion criteria provided. Collection method: clinical testing. Allele origin: germline. Not counted in ClinVar's aggregate classification.
Comment: This variant is classified as likely benign based on ACMG/AMP sequence variant interpretation guidelines (Richards et al. 2015 PMID: 25741868, with internal and published modifications).